The following is an entry in ClinVar:

NM_000213.5(ITGB4):c.519G>A (p.Lys173=)

Gene: ITGB4 (integrin subunit beta 4; plus strand). Cytogenetic location: 17q25.1.
Variant type: single nucleotide variant.
Coding change: c.519G>A on transcript NM_000213.5 (MANE Select); coding-DNA position 519, G replaced by A.
Protein change: p.Lys173=; no amino-acid change (lysine 173 retained).
Molecular consequence: synonymous variant.
Genome position (GRCh38, 1-based): chr17:75,728,426, G>A. VCF-style: chr17-75728426-G-A. GRCh37 (hg19) VCF-style: chr17-73724507-G-A.
Other names: c.519G>A, p.Lys173= (NM_001005619.2, NM_001005731.3, NM_001321123.2).
Identifiers: ClinVar variation 3001269 (VCV003001269.5), dbSNP rs750026184, ClinGen allele CA8768694.
Genomic context (GRCh38, chr17:75,728,426, plus strand): 5'-TTGACATCCAGCTCGGGTCCTGAGCCAGCTCACCAGCGACTACACTATTGGATTTGGCAA[G>A]TTTGTGGACAAAGTCAGCGTCCCGCAGACGGACATGAGGCCTGAGAAGTAAGTGACTGTG-3'
Protein context (NP_000204.3, residues 163-183): LTSDYTIGFG[Lys173=]FVDKVSVPQT

ClinVar aggregate classification (germline): Likely benign. Review status: criteria provided, single submitter (1 of 4 stars). 2 submissions from 2 submitters: Likely benign (1). 1 of the submissions does not count toward it. Last evaluated 2024-02-01.

Conditions:
ITGB4-related disorder. Also called: ITGB4-related condition.

Allele frequency attached by ClinVar (database versions not stated): gnomAD exomes 0.00001; ExAC 0.00002; gnomAD 0.00002; TOPMed 0.00002.
gnomAD v4.1: 15 of 1,614,098 alleles (0.00093%); highest among the groups gnomAD compares: South Asian, 0.0022%; no homozygotes.

Submissions (2):

Labcorp Genetics (formerly Invitae), Labcorp
Classification: Likely benign. Last evaluated: 2024-02-01. Review status: criteria provided, single submitter. Criteria: Invitae Variant Classification Sherloc (09022015). Collection method: clinical testing. Allele origin: germline.

PreventionGenetics, part of Exact Sciences
Classification: Likely benign for ITGB4-related condition. Last evaluated: 2021-10-21. Review status: no assertion criteria provided. Collection method: clinical testing. Allele origin: germline. Not counted in ClinVar's aggregate classification.
Comment: This variant is classified as likely benign based on ACMG/AMP sequence variant interpretation guidelines (Richards et al. 2015 PMID: 25741868, with internal and published modifications).